The following is an entry in ClinVar:

ClinVar aggregate classification (germline): Likely pathogenic (1 of 4 stars; one submission).

Conditions:
Autosomal recessive limb-girdle muscular dystrophy type 2J (LGMDR10). Also called: Limb-girdle muscular dystrophy, type 2J; MUSCULAR DYSTROPHY, LIMB-GIRDLE, AUTOSOMAL RECESSIVE 10. Identifiers: Orphanet 140922, MedGen C1837342, MONDO:0012127, OMIM 608807.
Dilated cardiomyopathy 1G (CMD1G). Identifiers: Orphanet 154, MedGen C1858763, MONDO:0011400, OMIM 604145.

Submission:

Labcorp Genetics (formerly Invitae), Labcorp
Classification: Likely pathogenic for Dilated cardiomyopathy 1G; Autosomal recessive limb-girdle muscular dystrophy type 2J. Last evaluated: 2026-01-17. Review status: criteria provided, single submitter. Criteria: Invitae Variant Classification Sherloc (09022015). Collection method: clinical testing. Allele origin: germline.
Comment: This sequence change creates a premature translational stop signal (p.Glu14608Alafs*12) in the TTN gene. While this is not anticipated to result in nonsense mediated decay, it is expected to create a truncated TTN protein. This variant is not present in population databases (gnomAD no frequency). This variant has not been reported in the literature in individuals affected with TTN-related conditions. This variant is located in the I band of TTN (PMID: 25589632). Truncating variants in this region have been reported in individuals affected with autosomal recessive centronuclear myopathy (PMID: 23975875, internal data). Truncating variants in this region have also been identified in individuals affected with autosomal dominant dilated cardiomyopathy and/or cardio-related conditions (PMID: 27869827, 32964742, internal data). In summary, the currently available evidence indicates that the variant is pathogenic, but additional data are needed to prove that conclusively. Therefore, this variant has been classified as Likely Pathogenic.

Literature cited by the submitters: PubMed 25589632; PubMed 23975875; PubMed 27869827; PubMed 32964742.

NM_001267550.2(TTN):c.43822_43823insCTACAGTG (p.Glu14608fs)

Gene: TTN (titin; minus strand). Cytogenetic location: 2q31.2.
Variant type: Insertion.
Coding change: c.43822_43823insCTACAGTG on transcript NM_001267550.2 (MANE Select); coding-DNA positions 43822 to 43823, CTACAGTG inserted.
Protein change: p.Glu14608fs; shifts the reading frame from glutamic acid 14608.
Molecular consequence: frameshift variant.
Genome position: GRCh38 VCF-style: chr2-178631225-T-TCACTGTAG. GRCh37 (hg19) VCF-style: chr2-179495952-T-TCACTGTAG.
Other names: c.38899_38900insCTACAGTG, p.Glu12967fs (NM_001256850.1); c.16627_16628insCTACAGTG, p.Glu5543fs (NM_003319.4); c.36118_36119insCTACAGTG, p.Glu12040fs (NM_133378.4); c.17002_17003insCTACAGTG, p.Glu5668fs (NM_133432.3); c.17203_17204insCTACAGTG, p.Glu5735fs (NM_133437.4); short protein forms E12967fs, E5735fs, E5668fs, E14608fs, E12040fs, E5543fs.
Identifiers: ClinVar variation 4787243 (VCV004787243.1).